The following is an entry in ClinVar:

NM_014727.3(KMT2B):c.7422C>T (p.Phe2474=)

Gene: KMT2B (lysine methyltransferase 2B; plus strand). Cytogenetic location: 19q13.12.
Variant type: single nucleotide variant.
Coding change: c.7422C>T on transcript NM_014727.3 (MANE Select); coding-DNA position 7422, C replaced by T.
Protein change: p.Phe2474=; no amino-acid change (phenylalanine 2474 retained).
Molecular consequence: synonymous variant.
Genome position (GRCh38, 1-based): chr19:35,737,135, C>T. VCF-style: chr19-35737135-C-T. GRCh37 (hg19) VCF-style: chr19-36228036-C-T.
Identifiers: ClinVar variation 740934 (VCV000740934.5), dbSNP rs769957420, ClinGen allele CA9385964.
Genomic context (GRCh38, chr19:35,737,135, plus strand): 5'-TCTCCCCTCAGGAATGAGTGGGGCGAGACTCCTGGGCATCCACCATGATGCTGTCATCTT[C>T]CTGGCCGAGCAGCTCCCCGGAGCCCAGCGTTGCCAGCACTATAAGTTCCGTTACCACCAG-3'
Protein context (NP_055542.1, residues 2464-2484): LLGIHHDAVI[Phe2474=]LAEQLPGAQR

ClinVar aggregate classification (germline): Conflicting classifications of pathogenicity. Review status: criteria provided, conflicting classifications (1 of 4 stars). 2 submissions from 2 submitters: Uncertain significance (1); Likely benign (1). Last evaluated 2026-05-01.

Allele frequency attached by ClinVar (database versions not stated): gnomAD exomes below 0.00001; ExAC 0.00001.

Submissions (2):

CeGaT Center for Human Genetics Tuebingen
Classification: Uncertain significance. Last evaluated: 2026-05-01. Review status: criteria provided, single submitter. Criteria: CeGaT Center For Human Genetics Tuebingen Variant Classification Criteria Version 2. Collection method: clinical testing. Allele origin: germline. Affected: yes. Observed: 1 variant allele.
Comment: KMT2B: PM2:Supporting

Labcorp Genetics (formerly Invitae), Labcorp
Classification: Likely benign. Last evaluated: 2018-04-24. Review status: criteria provided, single submitter. Criteria: Invitae Variant Classification Sherloc (09022015). Collection method: clinical testing. Allele origin: germline.